The following is an entry in ClinVar:

ClinVar aggregate classification (germline): Pathogenic (1 of 4 stars; one submission).

Conditions:
Joubert syndrome. Also called: CEREBELLOPARENCHYMAL DISORDER IV; JOUBERT-BOLTSHAUSER SYNDROME; Familial aplasia of the vermis. Identifiers: Orphanet 475, MedGen C5979921, MONDO:0018772.
Meckel-Gruber syndrome. Also called: DYSENCEPHALIA SPLANCHNOCYSTICA; GRUBER SYNDROME; Dysencephalia splachnocystica. Identifiers: Orphanet 564, MedGen C0265215, MONDO:0018921.

Submission:

Labcorp Genetics (formerly Invitae), Labcorp
Classification: Pathogenic for Joubert syndrome; Meckel-Gruber syndrome. Last evaluated: 2022-06-30. Review status: criteria provided, single submitter. Criteria: Invitae Variant Classification Sherloc (09022015). Collection method: clinical testing. Allele origin: germline.
Comment: For these reasons, this variant has been classified as Pathogenic. This variant has not been reported in the literature in individuals affected with RPGRIP1L-related conditions. This variant is a gross deletion of the genomic region encompassing exon(s) 2-10 of the RPGRIP1L gene, which includes the initiator codon. This deletion extends beyond the assayed region for this gene and therefore may encompass additional genes. It is expected to result in an absent or disrupted protein product. Loss-of-function variants in RPGRIP1L are known to be pathogenic (PMID: 17558409).

Literature cited by the submitters: PubMed 17558409.

NC_000016.9:g.(?_53698772)_(53734645_?)del

Gene: RPGRIP1L (RPGRIP1 like; minus strand). Cytogenetic location: 16q12.2.
Variant type: Deletion.
Identifiers: ClinVar variation 1370102 (VCV001370102.3).